The following is an entry in ClinVar:

NM_000158.4(GBE1):c.1757A>G (p.Asp586Gly)

Gene: GBE1 (1,4-alpha-glucan branching enzyme 1; minus strand). Cytogenetic location: 3p12.2.
Variant type: single nucleotide variant.
Coding change: c.1757A>G on transcript NM_000158.4 (MANE Select); coding-DNA position 1757, A replaced by G.
Protein change: p.Asp586Gly; replaces aspartic acid 586 with glycine.
Molecular consequence: missense variant.
Genome position (GRCh38, 1-based): chr3:81,536,957, T>C on the plus strand (A>G on the coding strand, the complement: GBE1 is on the minus strand). VCF-style: chr3-81536957-T-C. GRCh37 (hg19) VCF-style: chr3-81586108-T-C.
Other names: short protein forms D586G.
Identifiers: ClinVar variation 1897672 (VCV001897672.7), dbSNP rs964120096, ClinGen allele CA78280344.

ClinVar aggregate classification (germline): Uncertain significance. Review status: criteria provided, multiple submitters, no conflicts (2 of 4 stars). 4 submissions from 4 submitters: Uncertain significance (4). Last evaluated 2022-12-21.

Conditions:
Inborn genetic diseases. Identifiers: MedGen C0950123, MeSH D030342.
Glycogen storage disease, type IV (GSD4). Also called: Glycogen storage disease due to glycogen branching enzyme deficiency; AMYLOPECTINOSIS; ANDERSEN DISEASE; BRANCHER DEFICIENCY; CIRRHOSIS, FAMILIAL, WITH DEPOSITION OF ABNORMAL GLYCOGEN; GBE1 DEFICIENCY. Identifiers: Orphanet 367, MedGen C0017923, MONDO:0009292, OMIM 232500.
Glycogen storage disease IV, classic hepatic. Also called: GSD IV, CLASSIC HEPATIC. Identifiers: MedGen C1856301.

Allele frequency attached by ClinVar (database versions not stated): gnomAD 0.00001; gnomAD exomes 0.00001; TOPMed 0.00002.
gnomAD v4.1: 19 of 1,590,580 alleles (0.0012%); highest among the groups gnomAD compares: Non-Finnish European, 0.0015%; no homozygotes.

Submissions (4):

Blueprint Genetics
Classification: Uncertain significance. Last evaluated: 2022-12-21. Review status: criteria provided, single submitter. Criteria: ACMG Guidelines, 2015. Collection method: clinical testing. Allele origin: germline.

Labcorp Genetics (formerly Invitae), Labcorp
Classification: Uncertain significance for Glycogen storage disease, type IV; Glycogen storage disease IV, classic hepatic. Last evaluated: 2022-08-07. Review status: criteria provided, single submitter. Criteria: Invitae Variant Classification Sherloc (09022015). Collection method: clinical testing. Allele origin: germline.
Comment: This sequence change replaces aspartic acid, which is acidic and polar, with glycine, which is neutral and non-polar, at codon 586 of the GBE1 protein (p.Asp586Gly). This variant is present in population databases (no rsID available, gnomAD 0.004%). This variant has not been reported in the literature in individuals affected with GBE1-related conditions. Advanced modeling of protein sequence and biophysical properties (such as structural, functional, and spatial information, amino acid conservation, physicochemical variation, residue mobility, and thermodynamic stability) performed at Invitae indicates that this missense variant is not expected to disrupt GBE1 protein function. In summary, the available evidence is currently insufficient to determine the role of this variant in disease. Therefore, it has been classified as a Variant of Uncertain Significance.

Revvity Omics, Revvity
Classification: Uncertain significance. Last evaluated: 2021-10-13. Review status: criteria provided, single submitter. Criteria: ACMG Guidelines, 2015. Collection method: clinical testing. Allele origin: germline.

Ambry Genetics
Classification: Uncertain significance for Inborn genetic diseases. Last evaluated: 2021-09-01. Review status: criteria provided, single submitter. Criteria: Ambry Variant Classification Scheme 2023. Collection method: clinical testing. Allele origin: germline.